The following is an entry in ClinVar:

NM_000135.4(FANCA):c.2088C>G (p.Ser696Arg)

Gene: FANCA (FA complementation group A; minus strand). Cytogenetic location: 16q24.3.
Variant type: single nucleotide variant.
Coding change: c.2088C>G on transcript NM_000135.4 (MANE Select); coding-DNA position 2088, C replaced by G.
Protein change: p.Ser696Arg; replaces serine 696 with arginine.
Molecular consequence: missense variant.
Genome position (GRCh38, 1-based): chr16:89,771,741, G>C on the plus strand (C>G on the coding strand, the complement: FANCA is on the minus strand). VCF-style: chr16-89771741-G-C. GRCh37 (hg19) VCF-style: chr16-89838149-G-C.
Other names: c.2088C>G, p.Ser696Arg (NM_001286167.3); short protein forms S696R.
Identifiers: ClinVar variation 4022243 (VCV004022243.1).

ClinVar aggregate classification (germline): Uncertain significance (1 of 4 stars; one submission).

Conditions:
Inborn genetic diseases. Identifiers: MedGen C0950123, MeSH D030342.

Submission:

Ambry Genetics
Classification: Uncertain significance for Inborn genetic diseases. Last evaluated: 2025-05-05. Review status: criteria provided, single submitter. Criteria: Ambry Variant Classification Scheme 2023. Collection method: clinical testing. Allele origin: germline.
Comment: The p.S696R variant (also known as c.2088C>G), located in coding exon 23 of the FANCA gene, results from a C to G substitution at nucleotide position 2088. The serine at codon 696 is replaced by arginine, an amino acid with dissimilar properties. This amino acid position is conserved. In addition, this alteration is predicted to be tolerated by in silico analysis. Based on the available evidence, the clinical significance of this variant remains unclear.